The following is an entry in ClinVar:

NM_006045.3(ATP9A):c.1307_1310delinsAGAA (p.Pro436_Pro437delinsGlnLys)

Gene: ATP9A (ATPase phospholipid transporting 9A (putative); minus strand). Cytogenetic location: 20q13.2.
Variant type: Indel.
Coding change: c.1307_1310delinsAGAA on transcript NM_006045.3 (MANE Select); coding-DNA positions 1307 to 1310, CACC replaced by AGAA.
Protein change: p.Pro436_Pro437delinsGlnLys.
Molecular consequence: missense variant.
Genome position (GRCh38, 1-based): chr20:51,657,134-51,657,137, GGTG replaced by TTCT on the plus strand (CACC replaced by AGAA on the coding strand, the reverse complement: ATP9A is on the minus strand). VCF-style: chr20-51657134-GGTG-TTCT. GRCh37 (hg19) VCF-style: chr20-50273673-GGTG-TTCT.
Identifiers: ClinVar variation 4278828 (VCV004278828.1).

ClinVar aggregate classification (germline): Uncertain significance (1 of 4 stars; one submission).

Submission:

GeneDx
Classification: Uncertain significance. Last evaluated: 2025-04-02. Review status: criteria provided, single submitter. Criteria: GeneDx Variant Classification Process June 2021. Collection method: clinical testing. Allele origin: germline. Affected: yes.
Comment: Not observed at significant frequency in large population cohorts (gnomAD); In silico analysis indicates that this variant does not alter protein structure/function; Has not been previously published as pathogenic or benign to our knowledge